The following is an entry in ClinVar:

NM_020832.3(ZNF687):c.578C>T (p.Pro193Leu)

Gene: ZNF687 (zinc finger protein 687; plus strand). Cytogenetic location: 1q21.3.
Variant type: single nucleotide variant.
Coding change: c.578C>T on transcript NM_020832.3 (MANE Select); coding-DNA position 578, C replaced by T.
Protein change: p.Pro193Leu; replaces proline 193 with leucine.
Molecular consequence: missense variant.
Genome position (GRCh38, 1-based): chr1:151,286,869, C>T. VCF-style: chr1-151286869-C-T. GRCh37 (hg19) VCF-style: chr1-151259345-C-T.
Other names: c.578C>T, p.Pro193Leu (NM_001304763.2, NM_001304764.2); short protein forms P193L.
Identifiers: ClinVar variation 3618081 (VCV003618081.2).

ClinVar aggregate classification (germline): Uncertain significance (1 of 4 stars; one submission).

gnomAD v4.1: 11 of 1,613,288 alleles (0.00068%); highest among the groups gnomAD compares: Non-Finnish European, 0.00093%; no homozygotes.

Submission:

Labcorp Genetics (formerly Invitae), Labcorp
Classification: Uncertain significance. Last evaluated: 2025-04-20. Review status: criteria provided, single submitter. Criteria: Invitae Variant Classification Sherloc (09022015). Collection method: clinical testing. Allele origin: germline.
Comment: This sequence change replaces proline, which is neutral and non-polar, with leucine, which is neutral and non-polar, at codon 193 of the ZNF687 protein (p.Pro193Leu). This variant is present in population databases (no rsID available, gnomAD 0.0009%). This variant has not been reported in the literature in individuals affected with ZNF687-related conditions. ClinVar contains an entry for this variant (Variation ID: 3618081). An algorithm developed to predict the effect of missense changes on protein structure and function (PolyPhen-2) suggests that this variant is likely to be disruptive. In summary, the available evidence is currently insufficient to determine the role of this variant in disease. Therefore, it has been classified as a Variant of Uncertain Significance.